The following is an entry in ClinVar:

NM_024757.5(EHMT1):c.1459C>G (p.Leu487Val)

Gene: EHMT1 (euchromatic histone lysine methyltransferase 1; plus strand). Cytogenetic location: 9q34.3.
Variant type: single nucleotide variant.
Coding change: c.1459C>G on transcript NM_024757.5 (MANE Select); coding-DNA position 1459, C replaced by G.
Protein change: p.Leu487Val; replaces leucine 487 with valine.
Molecular consequence: missense variant.
Genome position (GRCh38, 1-based): chr9:137,757,969, C>G. VCF-style: chr9-137757969-C-G. GRCh37 (hg19) VCF-style: chr9-140652421-C-G.
Other names: c.1459C>G, p.Leu487Val (NM_001354611.2, NM_001145527.2); c.1366C>G, p.Leu456Val (NM_001354612.2, NM_001354259.2); c.1438C>G, p.Leu480Val (NM_001354263.2); short protein forms L456V, L480V, L487V.
Identifiers: ClinVar variation 1039477 (VCV001039477.9), dbSNP rs1949508960, ClinGen allele CA375766302.

ClinVar aggregate classification (germline): Uncertain significance (1 of 4 stars; one submission).

Conditions:
Kleefstra syndrome 1 (KLEFS1). Identifiers: Orphanet 261494, MedGen C0795833, MONDO:0027407, OMIM 610253.

Allele frequency attached by ClinVar (database versions not stated): TOPMed below 0.00001; gnomAD 0.00001.
gnomAD v4.1: 1 of 1,613,970 alleles (0.000062%); highest among the groups gnomAD compares: African/African-American, 0.0013%; no homozygotes.

Submission:

Labcorp Genetics (formerly Invitae), Labcorp
Classification: Uncertain significance for Kleefstra syndrome 1. Last evaluated: 2025-01-11. Review status: criteria provided, single submitter. Criteria: Invitae Variant Classification Sherloc (09022015). Collection method: clinical testing. Allele origin: germline.
Comment: This sequence change replaces leucine, which is neutral and non-polar, with valine, which is neutral and non-polar, at codon 487 of the EHMT1 protein (p.Leu487Val). This variant is not present in population databases (gnomAD no frequency). This variant has not been reported in the literature in individuals affected with EHMT1-related conditions. ClinVar contains an entry for this variant (Variation ID: 1039477). An algorithm developed to predict the effect of missense changes on protein structure and function (PolyPhen-2) suggests that this variant is likely to be disruptive. In summary, the available evidence is currently insufficient to determine the role of this variant in disease. Therefore, it has been classified as a Variant of Uncertain Significance.